The following is an entry in ClinVar:

ClinVar aggregate classification (germline): Likely benign (1 of 4 stars; one submission).

Submission:

CeGaT Center for Human Genetics Tuebingen
Classification: Likely benign. Last evaluated: 2023-07-01. Review status: criteria provided, single submitter. Criteria: CeGaT Center For Human Genetics Tuebingen Variant Classification Criteria Version 2. Collection method: clinical testing. Allele origin: germline. Affected: yes. Observed: 1 variant allele.
Comment: TAS1R1: BS2

NM_138697.4(TAS1R1):c.2048_2049del (p.Val683fs)

Gene: TAS1R1 (taste 1 receptor member 1; plus strand). Cytogenetic location: 1p36.31.
Variant type: Microsatellite.
Coding change: c.2048_2049del on transcript NM_138697.4 (MANE Select); coding-DNA positions 2048 to 2049, 2 bases deleted (TG; older notation c.2048_2049delTG).
Protein change: p.Val683fs; shifts the reading frame from valine 683.
Molecular consequence: frameshift variant.
Genome position (GRCh38, 1-based): chr1:6,579,106-6,579,107, TG deleted; deleting any 2 consecutive bases within chr1:6,579,104-6,579,107 gives the same sequence; the c. name uses the placement nearest the transcript's 3' end. VCF-style (leftmost placement, unchanged base first): chr1-6579103-TTG-T. GRCh37 (hg19) VCF-style: chr1-6639163-TTG-T.
Other names: c.1286_1287del, p.Val429fs (NM_177540.3); short protein forms V429fs, V683fs.
Identifiers: ClinVar variation 2638124 (VCV002638124.24), dbSNP rs533628552, ClinGen allele CA563313.